The following is an entry in ClinVar:

ClinVar aggregate classification (germline): Uncertain significance. Review status: criteria provided, multiple submitters, no conflicts (2 of 4 stars). 2 submissions from 2 submitters: Uncertain significance (2). Last evaluated 2024-03-08.

Conditions:
Aortic valve disease 2 (AOVD2). Identifiers: MedGen C3542024, MONDO:0013902, OMIM 614823.
Cardiovascular phenotype. Identifiers: MedGen CN230736.

gnomAD v4.1: 5 of 1,614,106 alleles (0.00031%); highest among the groups gnomAD compares: African/African-American, 0.004%; no homozygotes.

Submissions (2):

Ambry Genetics
Classification: Uncertain significance for Cardiovascular phenotype. Last evaluated: 2024-03-08. Review status: criteria provided, single submitter. Criteria: Ambry Variant Classification Scheme 2023. Collection method: clinical testing. Allele origin: germline.
Comment: The p.L281V variant (also known as c.841C>G), located in coding exon 7 of the TBX5 gene, results from a C to G substitution at nucleotide position 841. The leucine at codon 281 is replaced by valine, an amino acid with highly similar properties. This amino acid position is conserved. In addition, this alteration is predicted to be tolerated by in silico analysis. Based on the available evidence, the clinical significance of this alteration remains unclear.

Labcorp Genetics (formerly Invitae), Labcorp
Classification: Uncertain significance for Aortic valve disease 2. Last evaluated: 2021-01-18. Review status: criteria provided, single submitter. Criteria: Invitae Variant Classification Sherloc (09022015). Collection method: clinical testing. Allele origin: germline.
Comment: In summary, the available evidence is currently insufficient to determine the role of this variant in disease. Therefore, it has been classified as a Variant of Uncertain Significance. Algorithms developed to predict the effect of missense changes on protein structure and function are either unavailable or do not agree on the potential impact of this missense change (SIFT: "Deleterious"; PolyPhen-2: "Benign"; Align-GVGD: "Class C0"). This variant has not been reported in the literature in individuals with TBX5-related conditions. This variant is not present in population databases (ExAC no frequency). This sequence change replaces leucine with valine at codon 281 of the TBX5 protein (p.Leu281Val). The leucine residue is highly conserved and there is a small physicochemical difference between leucine and valine.

NM_181486.4(TBX5):c.841C>G (p.Leu281Val)

Gene: TBX5 (T-box transcription factor 5; minus strand). Cytogenetic location: 12q24.21.
Variant type: single nucleotide variant.
Coding change: c.841C>G on transcript NM_181486.4 (MANE Select); coding-DNA position 841, C replaced by G.
Protein change: p.Leu281Val; replaces leucine 281 with valine.
Molecular consequence: missense variant.
Genome position (GRCh38, 1-based): chr12:114,366,306, G>C on the plus strand (C>G on the coding strand, the complement: TBX5 is on the minus strand). VCF-style: chr12-114366306-G-C. GRCh37 (hg19) VCF-style: chr12-114804111-G-C.
Other names: c.841C>G, p.Leu281Val (NM_000192.3); c.691C>G, p.Leu231Val (NM_080717.4); short protein forms L231V, L281V.
Identifiers: ClinVar variation 1019772 (VCV001019772.9), dbSNP rs760177359, ClinGen allele CA386926513.
Genomic context (GRCh38, chr12:114,366,306, plus strand): 5'-AGGGGCCGGAAACACCATTCTCACACTGGTATTGGGACCCCAAATTGGATGAGGTGGAGA[G>C]AGCTCGAGACTCGCTGCTGAAAGGACTGTGGTTGGAGGCCACTTTTTGCCTCACGGTGCT-3'
Protein context (NP_852259.1, residues 271-291): HSPFSSESRA[Leu281Val]STSSNLGSQY